The following is an entry in ClinVar:

NM_004006.3(DMD):c.8150A>T (p.Asp2717Val)

Gene: DMD (dystrophin; minus strand). Cytogenetic location: Xp21.1.
Variant type: single nucleotide variant.
Coding change: c.8150A>T on transcript NM_004006.3 (MANE Select); coding-DNA position 8150, A replaced by T.
Protein change: p.Asp2717Val; replaces aspartic acid 2717 with valine.
Molecular consequence: missense variant.
Genome position (GRCh38, 1-based): chrX:31,627,740, T>A on the plus strand (A>T on the coding strand, the complement: DMD is on the minus strand). VCF-style: chrX-31627740-T-A. GRCh37 (hg19) VCF-style: chrX-31645857-T-A.
Other names: c.8150A>T (NM_004006.2); c.8126A>T, p.Asp2709Val (NM_000109.4); c.8138A>T, p.Asp2713Val (NM_004009.3); c.7781A>T, p.Asp2594Val (NM_004010.3); c.4127A>T, p.Asp1376Val (NM_004011.4); c.4118A>T, p.Asp1373Val (NM_004012.4); c.770A>T, p.Asp257Val (NM_004013.3, NM_004020.4, NM_004021.3 and 2 more transcripts); short protein forms D1373V, D2594V, D2709V, D1376V, D2717V, D257V, D2713V.
Identifiers: ClinVar variation 1360613 (VCV001360613.10), dbSNP rs886043271, ClinGen allele CA328458514.

ClinVar aggregate classification (germline): Uncertain significance. Review status: criteria provided, multiple submitters, no conflicts (2 of 4 stars). 2 submissions from 2 submitters: Uncertain significance (2). Last evaluated 2026-05-14.

Conditions:
Duchenne muscular dystrophy (DMD). Also called: MUSCULAR DYSTROPHY, PSEUDOHYPERTROPHIC PROGRESSIVE, DUCHENNE TYPE; Duchenne Muscular Dystrophy (DMD). Identifiers: Orphanet 98896, MedGen C0013264, MONDO:0010679, OMIM 310200.
Cardiovascular phenotype. Identifiers: MedGen CN230736.

gnomAD v4.1: 1 of 1,211,286 alleles (0.000083%); no homozygotes.

Submissions (2):

Ambry Genetics
Classification: Uncertain significance for Cardiovascular phenotype. Last evaluated: 2026-05-14. Review status: criteria provided, single submitter. Criteria: Ambry Variant Classification Scheme 2023. Collection method: clinical testing. Allele origin: germline.

Labcorp Genetics (formerly Invitae), Labcorp
Classification: Uncertain significance for Duchenne muscular dystrophy. Last evaluated: 2025-07-31. Review status: criteria provided, single submitter. Criteria: Invitae Variant Classification Sherloc (09022015). Collection method: clinical testing. Allele origin: germline.
Comment: This sequence change replaces aspartic acid, which is acidic and polar, with valine, which is neutral and non-polar, at codon 2717 of the DMD protein (p.Asp2717Val). This variant is not present in population databases (gnomAD no frequency). This variant has not been reported in the literature in individuals affected with DMD-related conditions. ClinVar contains an entry for this variant (Variation ID: 1360613). Invitae Evidence Modeling of protein sequence and biophysical properties (such as structural, functional, and spatial information, amino acid conservation, physicochemical variation, residue mobility, and thermodynamic stability) indicates that this missense variant is not expected to disrupt DMD protein function with a negative predictive value of 95%. In summary, the available evidence is currently insufficient to determine the role of this variant in disease. Therefore, it has been classified as a Variant of Uncertain Significance.